The following is an entry in ClinVar:

NM_006231.4(POLE):c.1686+6C>G

Gene: POLE (DNA polymerase epsilon, catalytic subunit; minus strand). Cytogenetic location: 12q24.33.
Variant type: single nucleotide variant.
Coding change: c.1686+6C>G on transcript NM_006231.4 (MANE Select); 6 bases into the intron after coding-DNA position 1686, C replaced by G.
Molecular consequence: intron variant.
Genome position (GRCh38, 1-based): chr12:132,672,621, G>C on the plus strand (C>G on the coding strand, the complement: POLE is on the minus strand). VCF-style: chr12-132672621-G-C. GRCh37 (hg19) VCF-style: chr12-133249207-G-C.
Identifiers: ClinVar variation 1056769 (VCV001056769.9), dbSNP rs1593070546, ClinGen allele CA2499221544.

ClinVar aggregate classification (germline): Uncertain significance (1 of 4 stars; one submission).

Submission:

Labcorp Genetics (formerly Invitae), Labcorp
Classification: Uncertain significance. Last evaluated: 2020-01-19. Review status: criteria provided, single submitter. Criteria: Invitae Variant Classification Sherloc (09022015). Collection method: clinical testing. Allele origin: germline.
Comment: In summary, the available evidence is currently insufficient to determine the role of this variant in disease. Therefore, it has been classified as a Variant of Uncertain Significance. This sequence change falls in intron 15 of the POLE gene. It does not directly change the encoded amino acid sequence of the POLE protein, but it affects a nucleotide within the consensus splice site of the intron. This variant is not present in population databases (ExAC no frequency). This variant has not been reported in the literature in individuals with POLE-related conditions. Nucleotide substitutions within the consensus splice site are a relatively common cause of aberrant splicing (PMID: 17576681, 9536098). Algorithms developed to predict the effect of sequence changes on RNA splicing suggest that this variant may disrupt the consensus splice site, but this prediction has not been confirmed by published transcriptional studies.

Literature cited by the submitters: PubMed 17576681; PubMed 9536098.